The following is an entry in ClinVar:

NM_177438.3(DICER1):c.669T>G (p.Ile223Met)

Gene: DICER1 (dicer 1, ribonuclease III; minus strand). Cytogenetic location: 14q32.13.
Variant type: single nucleotide variant.
Coding change: c.669T>G on transcript NM_177438.3 (MANE Select); coding-DNA position 669, T replaced by G.
Protein change: p.Ile223Met; replaces isoleucine 223 with methionine.
Molecular consequence: missense variant.
Genome position (GRCh38, 1-based): chr14:95,129,537, A>C on the plus strand (T>G on the coding strand, the complement: DICER1 is on the minus strand). VCF-style: chr14-95129537-A-C. GRCh37 (hg19) VCF-style: chr14-95595874-A-C.
Other names: c.669T>G, p.Ile223Met (NM_001195573.1, NM_001271282.3, NM_001291628.2 and 1 more transcripts); short protein forms I223M.
Identifiers: ClinVar variation 1025741 (VCV001025741.12), dbSNP rs1893769093, ClinGen allele CA390888100.
Genomic context (GRCh38, chr14:95,129,537, plus strand): 5'-TAAGACCACCAGGTCAGTTGCAGTTTCAGCATTACTCTTAAGAATTTTCTCTAGTTTCTG[A>C]ATCTTTTCTTCCAATTCCTCTGGATCACATTTCCCATTTAAAATGGAAGCAGTTAGTCCC-3'
Protein context (NP_803187.1, residues 213-233): KCDPEELEEK[Ile223Met]QKLEKILKSN

ClinVar aggregate classification (germline): Uncertain significance. Review status: criteria provided, multiple submitters, no conflicts (2 of 4 stars). 2 submissions from 2 submitters: Uncertain significance (2). Last evaluated 2022-07-02.

Conditions:
DICER1-related tumor predisposition. Also called: DICER1 syndrome; DICER1-related pleuropulmonary blastoma cancer predisposition syndrome. Identifiers: Orphanet 284343, MedGen C3839822, MONDO:0100216.
Hereditary cancer-predisposing syndrome. Also called: Hereditary neoplastic syndrome; Neoplastic Syndromes, Hereditary; Tumor predisposition; Hereditary Cancer Syndrome. Identifiers: Orphanet 140162, MedGen C0027672, MeSH D009386, MONDO:0015356.

Submissions (2):

Ambry Genetics
Classification: Uncertain significance for Hereditary cancer-predisposing syndrome. Last evaluated: 2022-07-02. Review status: criteria provided, single submitter. Criteria: Ambry Variant Classification Scheme 2023. Collection method: clinical testing. Allele origin: germline.
Comment: The p.I223M variant (also known as c.669T>G), located in coding exon 5 of the DICER1 gene, results from a T to G substitution at nucleotide position 669. The isoleucine at codon 223 is replaced by methionine, an amino acid with highly similar properties. This amino acid position is conserved. In addition, the in silico prediction for this alteration is inconclusive. Since supporting evidence is limited at this time, the clinical significance of this alteration remains unclear.

Labcorp Genetics (formerly Invitae), Labcorp
Classification: Uncertain significance for DICER1-related tumor predisposition. Last evaluated: 2020-09-15. Review status: criteria provided, single submitter. Criteria: Invitae Variant Classification Sherloc (09022015). Collection method: clinical testing. Allele origin: germline.
Comment: This variant is not present in population databases (ExAC no frequency). This sequence change replaces isoleucine with methionine at codon 223 of the DICER1 protein (p.Ile223Met). The isoleucine residue is highly conserved and there is a small physicochemical difference between isoleucine and methionine. This variant has not been reported in the literature in individuals with DICER1-related conditions. In summary, the available evidence is currently insufficient to determine the role of this variant in disease. Therefore, it has been classified as a Variant of Uncertain Significance. Algorithms developed to predict the effect of missense changes on protein structure and function are either unavailable or do not agree on the potential impact of this missense change (SIFT: "Deleterious"; PolyPhen-2: "Possibly Damaging"; Align-GVGD: "Class C0").